The following is an entry in ClinVar:

ClinVar aggregate classification (germline): Likely benign (1 of 4 stars; one submission).

gnomAD v4.1: 1 of 1,609,516 alleles (0.000062%); highest among the groups gnomAD compares: Non-Finnish European, 0.000085%; no homozygotes.

Submission:

CeGaT Center for Human Genetics Tuebingen
Classification: Likely benign. Last evaluated: 2022-08-01. Review status: criteria provided, single submitter. Criteria: CeGaT Center For Human Genetics Tuebingen Variant Classification Criteria Version 2. Collection method: clinical testing. Allele origin: germline. Affected: yes. Observed: 1 variant allele.
Comment: SMAD3: PM2:Supporting, BP4, BP7

NM_005902.4(SMAD3):c.30G>A (p.Pro10=)

Genes: SMAD3 (SMAD family member 3; plus strand), LOC130057352 (ATAC-STARR-seq lymphoblastoid silent region 6574; plus strand). Cytogenetic location: 15q22.33.
Variant type: single nucleotide variant.
Coding change: c.30G>A on transcript NM_005902.4 (MANE Select); coding-DNA position 30, G replaced by A.
Protein change: p.Pro10=; no amino-acid change (proline 10 retained).
Molecular consequence: synonymous variant.
Genome position (GRCh38, 1-based): chr15:67,066,184, G>A. VCF-style: chr15-67066184-G-A. GRCh37 (hg19) VCF-style: chr15-67358522-G-A.
Other names: c.30G>A, p.Pro10= (NM_001407011.1, NM_001407012.1, NM_001407013.1).
Identifiers: ClinVar variation 1711384 (VCV001711384.30), dbSNP rs1299517586, ClinGen allele CA491015123.